The following is an entry in ClinVar:

NM_006415.4(SPTLC1):c.1118_1123del (p.Ile373_His374del)

Gene: SPTLC1 (serine palmitoyltransferase long chain base subunit 1; minus strand). Cytogenetic location: 9q22.31.
Variant type: Deletion.
Coding change: c.1118_1123del on transcript NM_006415.4 (MANE Select); coding-DNA positions 1118 to 1123, 6 bases deleted (TTCATA; older notation c.1118_1123delTTCATA).
Protein change: p.Ile373_His374del.
Molecular consequence: inframe deletion.
Genome position (GRCh38, 1-based): chr9:92,046,012-92,046,017, TATGAA deleted on the plus strand (TTCATA on the coding strand, the reverse complement: SPTLC1 is on the minus strand); deleting any 6 consecutive bases within chr9:92,046,012-92,046,018 gives the same sequence; the c. name uses the placement nearest the transcript's 3' end. VCF-style (leftmost placement, unchanged base first): chr9-92046011-TTATGAA-T. GRCh37 (hg19) VCF-style: chr9-94808293-TTATGAA-T.
Other names: c.1118_1123del, p.Ile373_His374del (NM_001281303.2); c.752_757del, p.Ile251_His252del (NM_001368272.1); c.653_658del, p.Ile218_His219del (NM_001368273.1).
Identifiers: ClinVar variation 1513597 (VCV001513597.6), dbSNP rs2118439056, ClinGen allele CA2573144761.

ClinVar aggregate classification (germline): Uncertain significance (1 of 4 stars; one submission).

Conditions:
Hereditary sensory and autonomic neuropathy type 1 (HSAN1). Also called: HSAN 1; HSN Type I; Hereditary Sensory Neuropathy Type I. Identifiers: Orphanet 36386, MedGen C0020071, MONDO:0018213.

Submission:

Labcorp Genetics (formerly Invitae), Labcorp
Classification: Uncertain significance for Hereditary sensory and autonomic neuropathy type 1. Last evaluated: 2022-08-23. Review status: criteria provided, single submitter. Criteria: Invitae Variant Classification Sherloc (09022015). Collection method: clinical testing. Allele origin: germline.
Comment: In summary, the available evidence is currently insufficient to determine the role of this variant in disease. Therefore, it has been classified as a Variant of Uncertain Significance. This variant, c.1118_1123del, results in the deletion of 2 amino acid(s) of the SPTLC1 protein (p.Ile373_His374del), but otherwise preserves the integrity of the reading frame. This variant is not present in population databases (gnomAD no frequency). This variant has not been reported in the literature in individuals affected with SPTLC1-related conditions. ClinVar contains an entry for this variant (Variation ID: 1513597). Experimental studies and prediction algorithms are not available or were not evaluated, and the functional significance of this variant is currently unknown.